The following is an entry in ClinVar:

NM_003072.5(SMARCA4):c.943C>T (p.Pro315Ser)

Gene: SMARCA4 (SWI/SNF related BAF chromatin remodeling complex subunit ATPase 4; plus strand). Cytogenetic location: 19p13.2.
Variant type: single nucleotide variant.
Coding change: c.943C>T on transcript NM_003072.5 (MANE Select); coding-DNA position 943, C replaced by T.
Protein change: p.Pro315Ser; replaces proline 315 with serine.
Molecular consequence: missense variant. On other transcripts: non-coding transcript variant (1).
Genome position (GRCh38, 1-based): chr19:10,987,749, C>T. VCF-style: chr19-10987749-C-T. GRCh37 (hg19) VCF-style: chr19-11098425-C-T.
Other names: c.943C>T, p.Pro315Ser (NM_001128844.3, NM_001128845.2, NM_001128846.2 and 6 more transcripts); short protein forms P315S.
Identifiers: ClinVar variation 1766967 (VCV001766967.3), dbSNP rs1480429811, ClinGen allele CA404058500.
Genomic context (GRCh38, chr19:10,987,749, plus strand): 5'-CCCACGAGCACCCCTCAGAAGCTGATTCCCCCGCAGCCAACGGGCCGCCCTTCCCCCGCG[C>T]CCCCTGCCGTCCCACCCGCCGCCTCGCCCGTGATGCCACCGCAGACCCAGTCCCCCGGGC-3'
Protein context (NP_003063.2, residues 305-325): PQPTGRPSPA[Pro315Ser]PAVPPAASPV

ClinVar aggregate classification (germline): Uncertain significance (1 of 4 stars; one submission).

Conditions:
Hereditary cancer-predisposing syndrome. Also called: Hereditary Cancer Syndrome; Hereditary neoplastic syndrome; Neoplastic Syndromes, Hereditary; Tumor predisposition. Identifiers: Orphanet 140162, MedGen C0027672, MeSH D009386, MONDO:0015356.

Allele frequency attached by ClinVar (database versions not stated): gnomAD exomes below 0.00001; TOPMed below 0.00001.
gnomAD v4.1: 1 of 1,601,340 alleles (0.000062%); highest among the groups gnomAD compares: South Asian, 0.0011%; no homozygotes.

Submission:

Ambry Genetics
Classification: Uncertain significance for Hereditary cancer-predisposing syndrome. Last evaluated: 2023-05-26. Review status: criteria provided, single submitter. Criteria: Ambry Variant Classification Scheme 2023. Collection method: clinical testing. Allele origin: germline.
Comment: The p.P315S variant (also known as c.943C>T), located in coding exon 5 of the SMARCA4 gene, results from a C to T substitution at nucleotide position 943. The proline at codon 315 is replaced by serine, an amino acid with similar properties. This amino acid position is highly conserved in available vertebrate species. In addition, the in silico prediction for this alteration is inconclusive. Missense and in-frame variants in SMARCA4 are known to cause neurodevelopmental disorders; however, such associations with rhabdoid tumor predisposition syndrome including small cell carcinoma of the ovary-hypercalcemic type (SCCOHT) are exceedingly rare (Kosho T et al. Am J Med Genet C Semin Med Genet. 2014 Sep;166C(3):262-75; Jelinic P et al. Nat Genet. 2014 May;46(5):424-6). Based on the supporting evidence, the association of this alteration with Coffin-Siris syndrome is unknown; however, the association of this alteration with rhabdoid tumor predisposition syndrome is unlikely.